The following is an entry in ClinVar:

NM_001458.5(FLNC):c.3989A>T (p.Tyr1330Phe)

Gene: FLNC (filamin C; plus strand). Cytogenetic location: 7q32.1.
Variant type: single nucleotide variant.
Coding change: c.3989A>T on transcript NM_001458.5 (MANE Select); coding-DNA position 3989, A replaced by T.
Protein change: p.Tyr1330Phe; replaces tyrosine 1330 with phenylalanine.
Molecular consequence: missense variant.
Genome position (GRCh38, 1-based): chr7:128,846,325, A>T. VCF-style: chr7-128846325-A-T. GRCh37 (hg19) VCF-style: chr7-128486379-A-T.
Other names: c.3989A>T, p.Tyr1330Phe (NM_001127487.2); short protein forms Y1330F.
Identifiers: ClinVar variation 3751658 (VCV003751658.2).

ClinVar aggregate classification (germline): Uncertain significance (1 of 4 stars; one submission).

Conditions:
Distal myopathy with posterior leg and anterior hand involvement. Also called: WILLIAMS DISTAL MYOPATHY. Identifiers: Orphanet 63273, MedGen C3279722, MONDO:0013550, OMIM 614065.
Hypertrophic cardiomyopathy 26. Also called: Cardiomyopathy, familial hypertrophic, 26. Identifiers: Orphanet 75249, MedGen C4310749, MONDO:0014883, OMIM 617047.
Myofibrillar myopathy 5. Also called: Filaminopathy (type); FILAMINOPATHY, AUTOSOMAL DOMINANT. Identifiers: Orphanet 171445, MedGen C1836050, MONDO:0012289, OMIM 609524.

Submission:

Labcorp Genetics (formerly Invitae), Labcorp
Classification: Uncertain significance for Distal myopathy with posterior leg and anterior hand involvement; Myofibrillar myopathy 5; Hypertrophic cardiomyopathy 26. Last evaluated: 2024-07-19. Review status: criteria provided, single submitter. Criteria: Invitae Variant Classification Sherloc (09022015). Collection method: clinical testing. Allele origin: germline.
Comment: This sequence change replaces tyrosine, which is neutral and polar, with phenylalanine, which is neutral and non-polar, at codon 1330 of the FLNC protein (p.Tyr1330Phe). This variant is not present in population databases (gnomAD no frequency). This variant has not been reported in the literature in individuals affected with FLNC-related conditions. Advanced modeling of protein sequence and biophysical properties (such as structural, functional, and spatial information, amino acid conservation, physicochemical variation, residue mobility, and thermodynamic stability) has been performed at Invitae for this missense variant, however the output from this modeling did not meet the statistical confidence thresholds required to predict the impact of this variant on FLNC protein function. In summary, the available evidence is currently insufficient to determine the role of this variant in disease. Therefore, it has been classified as a Variant of Uncertain Significance.